The following is an entry in ClinVar:

NM_006348.5(COG5):c.347G>C (p.Arg116Thr)

Gene: COG5 (component of oligomeric golgi complex 5; minus strand). Cytogenetic location: 7q22.3.
Variant type: single nucleotide variant.
Coding change: c.347G>C on transcript NM_006348.5 (MANE Select); coding-DNA position 347, G replaced by C.
Protein change: p.Arg116Thr; replaces arginine 116 with threonine.
Molecular consequence: missense variant. On other transcripts: intron variant (1).
Genome position (GRCh38, 1-based): chr7:107,548,278, C>G on the plus strand (G>C on the coding strand, the complement: COG5 is on the minus strand). VCF-style: chr7-107548278-C-G. GRCh37 (hg19) VCF-style: chr7-107188723-C-G.
Other names: c.347G>C, p.Arg116Thr (NM_001161520.2, NM_001379511.1, NM_001379512.1 and 4 more transcripts); c.234+9698G>C (NM_001379516.1); short protein forms R116T.
Identifiers: ClinVar variation 1475717 (VCV001475717.8), dbSNP rs1802613005, ClinGen allele CA368820224.

ClinVar aggregate classification (germline): Uncertain significance (1 of 4 stars; one submission).

Conditions:
COG5-congenital disorder of glycosylation. Also called: CDG IIi; COG5-CDG; CONGENITAL DISORDER OF GLYCOSYLATION, TYPE IIi. Identifiers: Orphanet 263487, MedGen C3150876, MONDO:0013325, OMIM 613612.

Submission:

Labcorp Genetics (formerly Invitae), Labcorp
Classification: Uncertain significance for COG5-congenital disorder of glycosylation. Last evaluated: 2021-01-30. Review status: criteria provided, single submitter. Criteria: Invitae Variant Classification Sherloc (09022015). Collection method: clinical testing. Allele origin: germline.
Comment: In summary, the available evidence is currently insufficient to determine the role of this variant in disease. Therefore, it has been classified as a Variant of Uncertain Significance. Nucleotide substitutions within the consensus splice site are a relatively common cause of aberrant splicing (PMID: 17576681, 9536098). Algorithms developed to predict the effect of sequence changes on RNA splicing suggest that this variant may disrupt the consensus splice site, but this prediction has not been confirmed by published transcriptional studies. Algorithms developed to predict the effect of missense changes on protein structure and function are either unavailable or do not agree on the potential impact of this missense change (SIFT: "Deleterious"; PolyPhen-2: "Probably Damaging"; Align-GVGD: "Class C0"). This variant has not been reported in the literature in individuals with COG5-related conditions. This variant is not present in population databases (ExAC no frequency). This sequence change replaces arginine with threonine at codon 147 of the COG5 protein (p.Arg147Thr). The arginine residue is highly conserved and there is a moderate physicochemical difference between arginine and threonine. This variant also falls at the last nucleotide of exon 4, which is part of the consensus splice site for this exon.

Literature cited by the submitters: PubMed 17576681; PubMed 9536098.